The following is an entry in ClinVar:

NM_024642.5(GALNT12):c.3G>A (p.Met1Ile)

Gene: GALNT12 (polypeptide N-acetylgalactosaminyltransferase 12; plus strand). Cytogenetic location: 9q22.33.
Variant type: single nucleotide variant.
Coding change: c.3G>A on transcript NM_024642.5 (MANE Select); coding-DNA position 3, G replaced by A.
Protein change: p.Met1Ile; changes the start codon (methionine 1).
Molecular consequence: missense variant, initiator codon variant.
Genome position (GRCh38, 1-based): chr9:98,807,701, G>A. VCF-style: chr9-98807701-G-A. GRCh37 (hg19) VCF-style: chr9-101569983-G-A.
Other names: short protein forms M1I.
Identifiers: ClinVar variation 1270 (VCV000001270.18), dbSNP rs267606839, ClinGen allele CA114895.

ClinVar aggregate classification (germline): Uncertain significance. Review status: criteria provided, multiple submitters, no conflicts (2 of 4 stars). 4 submissions from 4 submitters: Uncertain significance (3). 1 of the submissions does not count toward it. Last evaluated 2025-12-09.

Conditions:
Colorectal cancer, susceptibility to, 1. Also called: COLORECTAL ADENOMA AND CANCER, SUSCEPTIBILITY TO; COLORECTAL CANCER, SUSCEPTIBILITY TO, ON CHROMOSOME 9. Identifiers: MedGen C1837315, MONDO:0012132, OMIM 608812.

Allele frequency attached by ClinVar (database versions not stated): TOPMed 0.00039; gnomAD 0.00033 and 0.00032; 1000 Genomes Project 30x 0.00031.

Submissions (4):

Labcorp Genetics (formerly Invitae), Labcorp
Classification: Uncertain significance. Last evaluated: 2025-12-09. Review status: criteria provided, single submitter. Criteria: Invitae Variant Classification Sherloc (09022015). Collection method: clinical testing. Allele origin: germline.
Comment: This sequence change affects the initiator codon of the GALNT12 mRNA. This change may impact translation initiation or efficiency. The next in-frame methionine is located at codon 65. This variant is present in population databases (rs267606839, gnomAD 0.1%), and has an allele count higher than expected for a pathogenic variant. Disruption of the initiator codon has been observed in individual(s) with colon cancer and breast cancer (PMID: 19617566, 36315513). ClinVar contains an entry for this variant (Variation ID: 1270). Algorithms developed to predict the effect of variants on gene product structure and function are not available or were not evaluated for this variant. Experimental studies have shown that disruption of the initiator codon affects GALNT12 function (PMID: 19617566). In summary, the available evidence is currently insufficient to determine the role of this variant in disease. Therefore, it has been classified as a Variant of Uncertain Significance.

Quest Diagnostics Nichols Institute San Juan Capistrano
Classification: Uncertain significance. Last evaluated: 2025-06-03. Review status: criteria provided, single submitter. Criteria: Quest Diagnostics criteria. Collection method: clinical testing. Allele origin: unknown.
Comment: The GALNT12 c.3G>A variant disrupts the translation initiation codon of the GALNT12 mRNA and is predicted to interfere with GALNT12 protein synthesis, however further research is needed. This variant has been reported in the published literature in individuals with breast cancer (PMID: 36315513 (2022)) and breast cancer and colorectal cancer (PMID: 19617566 (2009)). Assessment of experimental evidence regarding the effect of this variant on protein function is inconclusive (PMID: 19617566 (2009)). The frequency of this variant in the general population (Genome Aggregation Database) is uninformative in the assessment of its pathogenicity. Based on the available information, we are unable to determine the clinical significance of this variant.

Ambry Genetics
Classification: Uncertain significance. Last evaluated: 2024-06-10. Review status: criteria provided, single submitter. Criteria: Ambry Variant Classification Scheme 2023. Collection method: clinical testing. Allele origin: germline.
Comment: The p.M1? variant (also known as c.3G>A), located in coding exon 1 of the GALNT12 gene, results from a G to A substitution at nucleotide position 3. This alters the methionine residue at the initiation codon (ATG). This alteration is expected to modify the initiation codon (ATG) resulting in either loss of translation initiation, N-terminal truncation, or cause a shift in the mRNA reading frame. The evidence for this gene-disease relationship is limited; therefore, the clinical significance of this alteration is unclear.

OMIM
Classification: risk factor for COLORECTAL CANCER, SUSCEPTIBILITY TO, 1. Last evaluated: 2009-08-04. Review status: no assertion criteria provided. Collection method: literature only. Allele origin: germline. Not counted in ClinVar's aggregate classification.

Literature cited by the submitters: PubMed 19617566 (cited by 4 submitters); PubMed 36315513 (cited by Labcorp Genetics (formerly Invitae), Labcorp and Quest Diagnostics Nichols Institute San Juan Capistrano); PubMed 24038392 (cited by Quest Diagnostics Nichols Institute San Juan Capistrano and Ambry Genetics).